The following is an entry in ClinVar:

ClinVar aggregate classification (germline): Uncertain significance. Review status: criteria provided, multiple submitters, no conflicts (2 of 4 stars). 2 submissions from 2 submitters: Uncertain significance (2). Last evaluated 2023-03-30.

Conditions:
Adult polyglucosan body disease (APBN). Also called: POLYGLUCOSAN BODY DISEASE, ADULT FORM; GBE1-Adult Polyglucosan Body Disease. Identifiers: Orphanet 206583, MedGen C1849722, MONDO:0009897, OMIM 263570.
Glycogen storage disease IV, classic hepatic. Also called: GSD IV, CLASSIC HEPATIC. Identifiers: MedGen C1856301.
Glycogen storage disease, type IV (GSD4). Also called: GBE1 DEFICIENCY; GLYCOGEN BRANCHING ENZYME DEFICIENCY; GLYCOGENOSIS IV; GSD IV; AMYLOPECTINOSIS; ANDERSEN DISEASE. Identifiers: Orphanet 367, MedGen C0017923, MONDO:0009292, OMIM 232500.

Allele frequency attached by ClinVar (database versions not stated): gnomAD exomes 0.00001.
gnomAD v4.1: 8 of 1,609,508 alleles (0.0005%); highest among the groups gnomAD compares: Non-Finnish European, 0.00068%; no homozygotes.

Submissions (2):

Molecular Genetics, Royal Melbourne Hospital
Classification: Uncertain significance for Adult polyglucosan body disease. Last evaluated: 2023-03-30. Review status: criteria provided, single submitter. Criteria: ACMG Guidelines, 2015. Collection method: clinical testing. Allele origin: germline. Affected: yes.
Comment: This sequence change is predicted to replace methionine with valine at codon 437 of the GBE1 protein (p.Met437Val). The methionine residue is highly conserved (100 vertebrates, UCSC), and is located between the two of the positions that form the catalytic triad (Asp357-Glu412-Asp481) in the catalytic domain (PMID: 26199317). There is a small physicochemical difference between methionine and valine. The variant is absent in a large population cohort (gnomAD v2.1 - PM2), and it has not been reported in the relevant medical literature and databases. Multiple lines of computational evidence predict a deleterious effect for the missense substitution (7/7 algorithms - PP3). Based on the classification scheme RMH ACMG Guidelines v1.2.1, this variant is classified as a VARIANT of UNCERTAIN SIGNIFICANCE. Following criteria are met: PM2, PP3.

Labcorp Genetics (formerly Invitae), Labcorp
Classification: Uncertain significance for Glycogen storage disease, type IV; Glycogen storage disease IV, classic hepatic. Last evaluated: 2021-06-28. Review status: criteria provided, single submitter. Criteria: Invitae Variant Classification Sherloc (09022015). Collection method: clinical testing. Allele origin: germline.
Comment: In summary, the available evidence is currently insufficient to determine the role of this variant in disease. Therefore, it has been classified as a Variant of Uncertain Significance. Advanced modeling of protein sequence and biophysical properties (such as structural, functional, and spatial information, amino acid conservation, physicochemical variation, residue mobility, and thermodynamic stability) performed at Invitae indicates that this missense variant is expected to disrupt GBE1 protein function. This variant has not been reported in the literature in individuals with GBE1-related conditions. This variant is not present in population databases (ExAC no frequency). This sequence change replaces methionine with valine at codon 437 of the GBE1 protein (p.Met437Val). The methionine residue is highly conserved and there is a small physicochemical difference between methionine and valine.

Literature cited by the submitters: PubMed 26199317 (cited by Molecular Genetics, Royal Melbourne Hospital).

NM_000158.4(GBE1):c.1309A>G (p.Met437Val)

Gene: GBE1 (1,4-alpha-glucan branching enzyme 1; minus strand). Cytogenetic location: 3p12.2.
Variant type: single nucleotide variant.
Coding change: c.1309A>G on transcript NM_000158.4 (MANE Select); coding-DNA position 1309, A replaced by G.
Protein change: p.Met437Val; replaces methionine 437 with valine.
Molecular consequence: missense variant.
Genome position (GRCh38, 1-based): chr3:81,586,118, T>C on the plus strand (A>G on the coding strand, the complement: GBE1 is on the minus strand). VCF-style: chr3-81586118-T-C. GRCh37 (hg19) VCF-style: chr3-81635269-T-C.
Other names: short protein forms M437V.
Identifiers: ClinVar variation 1364418 (VCV001364418.10), dbSNP rs1288041902, ClinGen allele CA353685267.